The following is an entry in ClinVar:

ClinVar aggregate classification (germline): Uncertain significance (1 of 4 stars; one submission).

Submission:

CeGaT Center for Human Genetics Tuebingen
Classification: Uncertain significance. Last evaluated: 2024-03-01. Review status: criteria provided, single submitter. Criteria: CeGaT Center For Human Genetics Tuebingen Variant Classification Criteria Version 2. Collection method: clinical testing. Allele origin: germline. Affected: yes. Observed: 1 variant allele.
Comment: AVIL: PM2, PM3:Supporting

NM_006576.4(AVIL):c.2413C>T (p.Pro805Ser)

Genes: AVIL (advillin; minus strand), TSFM (Ts translation elongation factor, mitochondrial; plus strand). Cytogenetic location: 12q14.1.
Variant type: single nucleotide variant.
Coding change: c.2413C>T on transcript NM_006576.4 (MANE Select); coding-DNA position 2413, C replaced by T.
Protein change: p.Pro805Ser; replaces proline 805 with serine.
Molecular consequence: missense variant. On other transcripts: intron variant (1).
Genome position (GRCh38, 1-based): chr12:57,797,929, G>A on the plus strand (C>T on the coding strand, the complement: AVIL is on the minus strand). VCF-style: chr12-57797929-G-A. GRCh37 (hg19) VCF-style: chr12-58191712-G-A.
Other names: c.572-4626G>A (NM_001172697.2); short protein forms P805S.
Identifiers: ClinVar variation 3234599 (VCV003234599.19), dbSNP rs2540969779, ClinGen allele CA385533615.